The following is an entry in ClinVar:

ClinVar aggregate classification (germline): Uncertain significance (1 of 4 stars; one submission).

Conditions:
Developmental and epileptic encephalopathy 94 (DEE94). Also called: Epileptic encephalopathy, childhood-onset; CHD2-Related Neurodevelopmental Disorders. Identifiers: Orphanet 1942, Orphanet 2382, MedGen C3809278, MONDO:0014150, OMIM 615369.

Submission:

Labcorp Genetics (formerly Invitae), Labcorp
Classification: Uncertain significance for Developmental and epileptic encephalopathy 94. Last evaluated: 2023-02-14. Review status: criteria provided, single submitter. Criteria: Invitae Variant Classification Sherloc (09022015). Collection method: clinical testing. Allele origin: germline.
Comment: This sequence change replaces lysine, which is basic and polar, with asparagine, which is neutral and polar, at codon 738 of the CHD2 protein (p.Lys738Asn). This variant is not present in population databases (gnomAD no frequency). This variant has not been reported in the literature in individuals affected with CHD2-related conditions. Advanced modeling of protein sequence and biophysical properties (such as structural, functional, and spatial information, amino acid conservation, physicochemical variation, residue mobility, and thermodynamic stability) performed at Invitae indicates that this missense variant is not expected to disrupt CHD2 protein function. In summary, the available evidence is currently insufficient to determine the role of this variant in disease. Therefore, it has been classified as a Variant of Uncertain Significance.

NM_001271.4(CHD2):c.2214G>C (p.Lys738Asn)

Gene: CHD2 (chromodomain helicase DNA binding protein 2; plus strand). Cytogenetic location: 15q26.1.
Variant type: single nucleotide variant.
Coding change: c.2214G>C on transcript NM_001271.4 (MANE Select); coding-DNA position 2214, G replaced by C.
Protein change: p.Lys738Asn; replaces lysine 738 with asparagine.
Molecular consequence: missense variant.
Genome position (GRCh38, 1-based): chr15:92,971,789, G>C. VCF-style: chr15-92971789-G-C. GRCh37 (hg19) VCF-style: chr15-93515019-G-C.
Other names: short protein forms K738N.
Identifiers: ClinVar variation 2837409 (VCV002837409.3), dbSNP rs1397356868, ClinGen allele CA393892777.